The following is an entry in ClinVar:

ClinVar aggregate classification (germline): Uncertain significance. Review status: criteria provided, multiple submitters, no conflicts (2 of 4 stars). 2 submissions from 2 submitters: Uncertain significance (2). Last evaluated 2024-06-16.

Conditions:
Inborn genetic diseases. Identifiers: MedGen C0950123, MeSH D030342.
Combined immunodeficiency due to LRBA deficiency. Also called: Common variable immunodeficiency 8, with autoimmunity. Identifiers: Orphanet 445018, MedGen C3553512, MONDO:0013863, OMIM 614700.

Allele frequency attached by ClinVar (database versions not stated): gnomAD exomes below 0.00001 and 0.00001; ExAC 0.00001.
gnomAD v4.1: 3 of 1,594,702 alleles (0.00019%); highest among the groups gnomAD compares: Non-Finnish European, 0.00026%; no homozygotes.

Submissions (2):

Ambry Genetics
Classification: Uncertain significance for Inborn genetic diseases. Last evaluated: 2024-06-16. Review status: criteria provided, single submitter. Criteria: Ambry Variant Classification Scheme 2023. Collection method: clinical testing. Allele origin: germline.

Labcorp Genetics (formerly Invitae), Labcorp
Classification: Uncertain significance for Combined immunodeficiency due to LRBA deficiency. Last evaluated: 2020-09-15. Review status: criteria provided, single submitter. Criteria: Invitae Variant Classification Sherloc (09022015). Collection method: clinical testing. Allele origin: germline.
Comment: In summary, the available evidence is currently insufficient to determine the role of this variant in disease. Therefore, it has been classified as a Variant of Uncertain Significance. Algorithms developed to predict the effect of missense changes on protein structure and function are either unavailable or do not agree on the potential impact of this missense change (SIFT: "Tolerated"; PolyPhen-2: "Probably Damaging"; Align-GVGD: "Class C0"). This sequence change replaces histidine with tyrosine at codon 2421 of the LRBA protein (p.His2421Tyr). The histidine residue is moderately conserved and there is a moderate physicochemical difference between histidine and tyrosine. This variant is present in population databases (rs761748510, ExAC 0.002%). This variant has not been reported in the literature in individuals with LRBA-related conditions.

NM_001364905.1(LRBA):c.7228C>T (p.His2410Tyr)

Gene: LRBA (LPS responsive beige-like anchor protein; minus strand). Cytogenetic location: 4q31.3.
Variant type: single nucleotide variant.
Coding change: c.7228C>T on transcript NM_001364905.1 (MANE Select); coding-DNA position 7228, C replaced by T.
Protein change: p.His2410Tyr; replaces histidine 2410 with tyrosine.
Molecular consequence: missense variant.
Genome position (GRCh38, 1-based): chr4:150,350,126, G>A on the plus strand (C>T on the coding strand, the complement: LRBA is on the minus strand). VCF-style: chr4-150350126-G-A. GRCh37 (hg19) VCF-style: chr4-151271278-G-A.
Other names: c.7228C>T, p.His2410Tyr (NM_001199282.3, NM_001367550.1); c.7261C>T, p.His2421Tyr (NM_006726.5); short protein forms H2410Y, H2421Y.
Identifiers: ClinVar variation 1016973 (VCV001016973.9), dbSNP rs761748510, ClinGen allele CA3101697.